The following is an entry in ClinVar:

ClinVar aggregate classification (somatic clinical impact): Tier II - Potential (1 of 4 stars; one submission).

Conditions:
Polymorphous low grade neuroepithelial tumor of the young. Also called: Polymorphous low grade neuroepithelial tumour of the young. Identifiers: MedGen C5556330, MONDO:0858959.

Submission:

Institute for Genomic Medicine (IGM) Clinical Laboratory, Nationwide Children's Hospital
Classification: Tier II - Potential for Polymorphous low grade neuroepithelial tumor of the young. Assertion type: diagnostic. Clinical significance: supports diagnosis. Last evaluated: 2025-10-07. Review status: criteria provided, single submitter. Criteria: AMP/ASCO/CAP Guidelines, 2017. Collection method: clinical testing. Allele origin: somatic. Affected: yes.
Comment: Variant has Tier II (potential) clinical significance as a diagnostic inclusion criterion in polymorphous low grade neuroepithelial tumor of the young, based on the following evidence: 1) Documented in one or more cancer databases (e.g., St. Jude Pecan, COSMIC, CIViC, OncoKB). 2) Information in the literature supports potential biologic effect of variant. 3) Diagnostic significance based on multiple small studies (Evidence Level C).

NM_005228.5(EGFR):c.2307_2308insTGTGGG (p.Val769_Asp770insCysGly)

Genes: EGFR (epidermal growth factor receptor; plus strand), EGFR-AS1 (EGFR antisense RNA 1; minus strand). Cytogenetic location: 7p11.2.
Variant type: Microsatellite.
Coding change: c.2307_2308insTGTGGG on transcript NM_005228.5 (MANE Select); coding-DNA positions 2307 to 2308, TGTGGG inserted.
Protein change: p.Val769_Asp770insCysGly.
Molecular consequence: non-coding transcript variant (on NR_047551.1).
Genome position: GRCh38 VCF-style: chr7-55181315-T-TGTGTGG. GRCh37 (hg19) VCF-style: chr7-55249008-T-TGTGTGG.
Other names: c.2172_2173insTGTGGG, p.Val724_Asp725insCysGly (NM_001346897.2, NM_001346899.2); c.2307_2308insTGTGGG, p.Val769_Asp770insCysGly (NM_001346898.2); c.2148_2149insTGTGGG, p.Val716_Asp717insCysGly (NM_001346900.2); c.1506_1507insTGTGGG, p.Val502_Asp503insCysGly (NM_001346941.2).
Identifiers: ClinVar variation 4530050 (VCV004530050.1).